The following is an entry in ClinVar:

NM_014585.6(SLC40A1):c.779T>C (p.Leu260Pro)

Gene: SLC40A1 (solute carrier family 40 member 1; minus strand). Cytogenetic location: 2q32.2.
Variant type: single nucleotide variant.
Coding change: c.779T>C on transcript NM_014585.6 (MANE Select); coding-DNA position 779, T replaced by C.
Protein change: p.Leu260Pro; replaces leucine 260 with proline.
Molecular consequence: missense variant.
Genome position (GRCh38, 1-based): chr2:189,564,207, A>G on the plus strand (T>C on the coding strand, the complement: SLC40A1 is on the minus strand). VCF-style: chr2-189564207-A-G. GRCh37 (hg19) VCF-style: chr2-190428933-A-G.
Other names: short protein forms L260P.
Identifiers: ClinVar variation 2958080 (VCV002958080.2), dbSNP rs371014218, ClinGen allele CA2024145.

ClinVar aggregate classification (germline): Uncertain significance (1 of 4 stars; one submission).

Conditions:
Hemochromatosis type 4 (HFE4). Also called: Ferroportin disease; HEMOCHROMATOSIS DUE TO DEFECT IN FERROPORTIN; HEMOCHROMATOSIS, AUTOSOMAL DOMINANT. Identifiers: Orphanet 139491, Orphanet 647834, Orphanet 648562, MedGen C1853733, MONDO:0011631, OMIM 606069.

Allele frequency attached by ClinVar (database versions not stated): gnomAD exomes below 0.00001; TOPMed below 0.00001; ExAC 0.00001; gnomAD 0.00001; ESP Exome Variant Server 0.00008.
gnomAD v4.1: 4 of 1,613,992 alleles (0.00025%); highest among the groups gnomAD compares: Non-Finnish European, 0.00034%; no homozygotes.

Submission:

Labcorp Genetics (formerly Invitae), Labcorp
Classification: Uncertain significance for Hemochromatosis type 4. Last evaluated: 2023-11-15. Review status: criteria provided, single submitter. Criteria: Invitae Variant Classification Sherloc (09022015). Collection method: clinical testing. Allele origin: germline.
Comment: This sequence change replaces leucine, which is neutral and non-polar, with proline, which is neutral and non-polar, at codon 260 of the SLC40A1 protein (p.Leu260Pro). This variant is present in population databases (rs371014218, gnomAD 0.002%). This variant has not been reported in the literature in individuals affected with SLC40A1-related conditions. Advanced modeling of protein sequence and biophysical properties (such as structural, functional, and spatial information, amino acid conservation, physicochemical variation, residue mobility, and thermodynamic stability) performed at Invitae indicates that this missense variant is not expected to disrupt SLC40A1 protein function with a negative predictive value of 80%. In summary, the available evidence is currently insufficient to determine the role of this variant in disease. Therefore, it has been classified as a Variant of Uncertain Significance.